The following is an entry in ClinVar:

NM_020158.4(EXOSC5):c.294del (p.Arg99fs)

Gene: EXOSC5 (exosome component 5; minus strand). Cytogenetic location: 19q13.2.
Variant type: Deletion.
Coding change: c.294del on transcript NM_020158.4 (MANE Select); coding-DNA position 294, one base deleted (C; older notation c.294delC).
Protein change: p.Arg99fs; shifts the reading frame from arginine 99.
Molecular consequence: frameshift variant.
Genome position (GRCh38, 1-based): chr19:41,391,931, G deleted on the plus strand (C on the coding strand, the reverse complement: EXOSC5 is on the minus strand). VCF-style (leftmost placement, unchanged base first): chr19-41391930-TG-T. GRCh37 (hg19) VCF-style: chr19-41897835-TG-T.
Other names: short protein forms R99fs.
Identifiers: ClinVar variation 4883940 (VCV004883940.2).

ClinVar aggregate classification (germline): Uncertain significance (1 of 4 stars; one submission).

Submission:

Dasa
Classification: Uncertain significance. Last evaluated: 2025-08-24. Review status: criteria provided, single submitter. Criteria: DASA Assertion Criteria. Collection method: clinical testing. Allele origin: germline.
Comment: NM_020158.4(EXOSC5):c.294del (p.Arg99Glyfs*36) is a frameshift variant in EXOSC5 predicted to alter the reading frame and introduce a premature termination codon. This variant is absent from population databases. The currently available literature and clinical evidence are not sufficient to establish a definitive association between this variant and the reported condition. Therefore, this variant is classified as a variant of uncertain significance.